The following is an entry in ClinVar:

NM_018127.7(ELAC2):c.1476C>G (p.Ile492Met)

Gene: ELAC2 (elaC ribonuclease Z 2; minus strand). Cytogenetic location: 17p12.
Variant type: single nucleotide variant.
Coding change: c.1476C>G on transcript NM_018127.7 (MANE Select); coding-DNA position 1476, C replaced by G.
Protein change: p.Ile492Met; replaces isoleucine 492 with methionine.
Molecular consequence: missense variant.
Genome position (GRCh38, 1-based): chr17:12,998,456, G>C on the plus strand (C>G on the coding strand, the complement: ELAC2 is on the minus strand). VCF-style: chr17-12998456-G-C. GRCh37 (hg19) VCF-style: chr17-12901773-G-C.
Other names: c.1356C>G, p.Ile452Met (NM_001165962.2); c.1473C>G, p.Ile491Met (NM_173717.2); short protein forms I491M, I492M, I452M.
Identifiers: ClinVar variation 2083098 (VCV002083098.4), dbSNP rs766476173, ClinGen allele CA398224687.

ClinVar aggregate classification (germline): Uncertain significance (1 of 4 stars; one submission).

Conditions:
Combined oxidative phosphorylation defect type 17. Also called: Combined oxidative phosphorylation deficiency 17. Identifiers: Orphanet 369913, MedGen C3809526, MONDO:0014190, OMIM 615440.

Submission:

Labcorp Genetics (formerly Invitae), Labcorp
Classification: Uncertain significance for Combined oxidative phosphorylation defect type 17. Last evaluated: 2022-01-18. Review status: criteria provided, single submitter. Criteria: Invitae Variant Classification Sherloc (09022015). Collection method: clinical testing. Allele origin: germline.
Comment: In summary, the available evidence is currently insufficient to determine the role of this variant in disease. Therefore, it has been classified as a Variant of Uncertain Significance. Algorithms developed to predict the effect of missense changes on protein structure and function are either unavailable or do not agree on the potential impact of this missense change (SIFT: "Deleterious"; PolyPhen-2: "Benign"; Align-GVGD: "Class C0"). This variant has not been reported in the literature in individuals affected with ELAC2-related conditions. This variant is not present in population databases (gnomAD no frequency). This sequence change replaces isoleucine, which is neutral and non-polar, with methionine, which is neutral and non-polar, at codon 492 of the ELAC2 protein (p.Ile492Met).